The following is an entry in ClinVar:

NM_006206.6(PDGFRA):c.2411G>T (p.Arg804Leu)

Gene: PDGFRA (platelet derived growth factor receptor alpha; plus strand). Cytogenetic location: 4q12.
Variant type: single nucleotide variant.
Coding change: c.2411G>T on transcript NM_006206.6 (MANE Select); coding-DNA position 2411, G replaced by T.
Protein change: p.Arg804Leu; replaces arginine 804 with leucine.
Molecular consequence: missense variant.
Genome position (GRCh38, 1-based): chr4:54,285,458, G>T. VCF-style: chr4-54285458-G-T. GRCh37 (hg19) VCF-style: chr4-55151625-G-T.
Other names: c.2486G>T, p.Arg829Leu (NM_001347828.2); c.2411G>T, p.Arg804Leu (NM_001347829.2); c.2450G>T, p.Arg817Leu (NM_001347830.2); short protein forms R804L, R817L, R829L.
Identifiers: ClinVar variation 1790900 (VCV001790900.2), dbSNP rs571523023, ClinGen allele CA356894771.

ClinVar aggregate classification (germline): Uncertain significance (1 of 4 stars; one submission).

Conditions:
Hereditary cancer-predisposing syndrome. Also called: Hereditary Cancer Syndrome; Hereditary neoplastic syndrome; Tumor predisposition; Neoplastic Syndromes, Hereditary. Identifiers: Orphanet 140162, MedGen C0027672, MeSH D009386, MONDO:0015356.

Submission:

Ambry Genetics
Classification: Uncertain significance for Hereditary cancer-predisposing syndrome. Last evaluated: 2021-12-04. Review status: criteria provided, single submitter. Criteria: Ambry Variant Classification Scheme 2023. Collection method: clinical testing. Allele origin: germline.
Comment: The p.R804L variant (also known as c.2411G>T), located in coding exon 16 of the PDGFRA gene, results from a G to T substitution at nucleotide position 2411. The arginine at codon 804 is replaced by leucine, an amino acid with dissimilar properties. This amino acid position is conserved. In addition, the in silico prediction for this alteration is inconclusive. Since supporting evidence is limited at this time, the clinical significance of this alteration remains unclear.